The following is an entry in ClinVar:

ClinVar aggregate classification (germline): Uncertain significance. Review status: criteria provided, multiple submitters, no conflicts (2 of 4 stars). 2 submissions from 2 submitters: Uncertain significance (2). Last evaluated 2024-03-14.

Conditions:
Neuropathy, hereditary sensory, type 1F. Also called: Hereditary sensory neuropathy type IF; HSN IF. Identifiers: Orphanet 36386, MedGen C3810194, MONDO:0014286, OMIM 615632.
Inborn genetic diseases. Identifiers: MedGen C0950123, MeSH D030342.

Allele frequency attached by ClinVar (database versions not stated): gnomAD exomes below 0.00001; TOPMed below 0.00001; gnomAD 0.00001.
gnomAD v4.1: 5 of 1,612,068 alleles (0.00031%); highest among the groups gnomAD compares: Non-Finnish European, 0.00042%; no homozygotes.

Submissions (2):

Labcorp Genetics (formerly Invitae), Labcorp
Classification: Uncertain significance for Neuropathy, hereditary sensory, type 1F. Last evaluated: 2024-03-14. Review status: criteria provided, single submitter. Criteria: Invitae Variant Classification Sherloc (09022015). Collection method: clinical testing. Allele origin: germline.
Comment: This sequence change replaces lysine, which is basic and polar, with glutamic acid, which is acidic and polar, at codon 154 of the ATL3 protein (p.Lys154Glu). This variant is present in population databases (no rsID available, gnomAD 0.007%). This variant has not been reported in the literature in individuals affected with ATL3-related conditions. ClinVar contains an entry for this variant (Variation ID: 1741864). Advanced modeling of protein sequence and biophysical properties (such as structural, functional, and spatial information, amino acid conservation, physicochemical variation, residue mobility, and thermodynamic stability) performed at Invitae indicates that this missense variant is not expected to disrupt ATL3 protein function with a negative predictive value of 80%. In summary, the available evidence is currently insufficient to determine the role of this variant in disease. Therefore, it has been classified as a Variant of Uncertain Significance.

Ambry Genetics
Classification: Uncertain significance for Inborn genetic diseases. Last evaluated: 2019-09-13. Review status: criteria provided, single submitter. Criteria: Ambry Variant Classification Scheme 2023. Collection method: clinical testing. Allele origin: germline.
Comment: The p.K154E variant (also known as c.460A>G), located in coding exon 4 of the ATL3 gene, results from an A to G substitution at nucleotide position 460. The lysine at codon 154 is replaced by glutamic acid, an amino acid with similar properties. This amino acid position is highly conserved in available vertebrate species. In addition, the in silico prediction for this alteration is inconclusive. Since supporting evidence is limited at this time, the clinical significance of this alteration remains unclear.

NM_015459.5(ATL3):c.460A>G (p.Lys154Glu)

Genes: ATL3 (atlastin GTPase 3; minus strand), LNCROPM (lncRNA regulator of PLAAT3 mediated phospholipid metabolism; plus strand). Cytogenetic location: 11q13.1.
Variant type: single nucleotide variant.
Coding change: c.460A>G on transcript NM_015459.5 (MANE Select); coding-DNA position 460, A replaced by G.
Protein change: p.Lys154Glu; replaces lysine 154 with glutamic acid.
Molecular consequence: missense variant.
Genome position (GRCh38, 1-based): chr11:63,652,521, T>C on the plus strand (A>G on the coding strand, the complement: ATL3 is on the minus strand). VCF-style: chr11-63652521-T-C. GRCh37 (hg19) VCF-style: chr11-63419993-T-C.
Other names: c.406A>G, p.Lys136Glu (NM_001290048.2); short protein forms K136E, K154E.
Identifiers: ClinVar variation 1741864 (VCV001741864.4), dbSNP rs1404515136, ClinGen allele CA381027643.